The following is an entry in ClinVar:

NM_006371.5(CRTAP):c.582C>T (p.Ala194=)

Gene: CRTAP (cartilage associated protein; plus strand). Cytogenetic location: 3p22.3.
Variant type: single nucleotide variant.
Coding change: c.582C>T on transcript NM_006371.5 (MANE Select); coding-DNA position 582, C replaced by T.
Protein change: p.Ala194=; no amino-acid change (alanine 194 retained).
Molecular consequence: synonymous variant. On other transcripts: intron variant (1).
Genome position (GRCh38, 1-based): chr3:33,120,454, C>T. VCF-style: chr3-33120454-C-T. GRCh37 (hg19) VCF-style: chr3-33161946-C-T.
Other names: c.582C>T, p.Ala194= (NM_001393363.1, NM_001393364.1); c.472-3954C>T (NM_001393365.1); c.582C>T (NM_006371.4).
Identifiers: ClinVar variation 1628037 (VCV001628037.10), dbSNP rs149165428, ClinGen allele CA2300317.

ClinVar aggregate classification (germline): Likely benign. Review status: criteria provided, single submitter (1 of 4 stars). 2 submissions from 2 submitters: Likely benign (1). 1 of the submissions does not count toward it. Last evaluated 2025-11-26.

Conditions:
CRTAP-related disorder. Also called: CRTAP-related condition.
Osteogenesis imperfecta type 7 (OI7). Also called: OI type 7; OI type VII; OSTEOGENESIS IMPERFECTA, TYPE IIB; Osteogenesis imperfecta type 2B; OI type 2B; Osteogenesis imperfecta, perinatal lethal autosomal recessive. Identifiers: MedGen C1853162, MONDO:0012536, OMIM 610682.

Allele frequency attached by ClinVar (database versions not stated): gnomAD 0.00002; TOPMed 0.00003; ExAC 0.00004; gnomAD exomes 0.00004; ESP Exome Variant Server 0.00015.
gnomAD v4.1: 70 of 1,610,986 alleles (0.0043%); highest among the groups gnomAD compares: South Asian, 0.011%; no homozygotes.

Submissions (2):

Labcorp Genetics (formerly Invitae), Labcorp
Classification: Likely benign for Osteogenesis imperfecta type 7. Last evaluated: 2025-11-26. Review status: criteria provided, single submitter. Criteria: Invitae Variant Classification Sherloc (09022015). Collection method: clinical testing. Allele origin: germline.

PreventionGenetics, part of Exact Sciences
Classification: Likely benign for CRTAP-related condition. Last evaluated: 2019-07-30. Review status: no assertion criteria provided. Collection method: clinical testing. Allele origin: germline. Not counted in ClinVar's aggregate classification.
Comment: This variant is classified as likely benign based on ACMG/AMP sequence variant interpretation guidelines (Richards et al. 2015 PMID: 25741868, with internal and published modifications).